The following is an entry in ClinVar:

ClinVar aggregate classification (germline): Uncertain significance (1 of 4 stars; one submission).

Submission:

Labcorp Genetics (formerly Invitae), Labcorp
Classification: Uncertain significance. Last evaluated: 2024-10-29. Review status: criteria provided, single submitter. Criteria: Invitae Variant Classification Sherloc (09022015). Collection method: clinical testing. Allele origin: germline.
Comment: This sequence change falls in intron 13 of the CYFIP2 gene. It does not directly change the encoded amino acid sequence of the CYFIP2 protein. It affects a nucleotide within the consensus splice site. This variant is not present in population databases (gnomAD no frequency). This variant has not been reported in the literature in individuals affected with CYFIP2-related conditions. ClinVar contains an entry for this variant (Variation ID: 2012674). Variants that disrupt the consensus splice site are a relatively common cause of aberrant splicing (PMID: 17576681, 9536098). Algorithms developed to predict the effect of sequence changes on RNA splicing suggest that this variant is not likely to affect RNA splicing. In summary, the available evidence is currently insufficient to determine the role of this variant in disease. Therefore, it has been classified as a Variant of Uncertain Significance.

Literature cited by the submitters: PubMed 17576681; PubMed 9536098.

NM_001037333.3(CYFIP2):c.1357-3C>T

Gene: CYFIP2 (cytoplasmic FMR1 interacting protein 2; plus strand). Cytogenetic location: 5q33.3.
Variant type: single nucleotide variant.
Coding change: c.1357-3C>T on transcript NM_001037333.3 (MANE Select); 3 bases into the intron before coding-DNA position 1357, C replaced by T.
Molecular consequence: intron variant.
Genome position (GRCh38, 1-based): chr5:157,319,759, C>T. VCF-style: chr5-157319759-C-T. GRCh37 (hg19) VCF-style: chr5-156746767-C-T.
Other names: c.1357-3C>T (NM_001291722.2, NM_014376.4); c.1279-3C>T (NM_001291721.2).
Identifiers: ClinVar variation 2012674 (VCV002012674.4), dbSNP rs2532391501, ClinGen allele CA2580073953.
Genomic context (GRCh38, chr5:157,319,759, plus strand): 5'-TGGGTAGTAGACAGCTGGTGTGCTGGACATGGTGAACATGACCCTTGGCCTCTTCCTGCC[C>T]AGGTGATCGCCATGATCAAAGGCCTGCAGGTGCTCATGGGCAGGATGGAGAGCGTCTTCA-3'